The following is an entry in ClinVar:

NM_000368.5(TSC1):c.2069C>T (p.Thr690Ile)

Gene: TSC1 (TSC complex subunit 1; minus strand). Cytogenetic location: 9q34.13.
Variant type: single nucleotide variant.
Coding change: c.2069C>T on transcript NM_000368.5 (MANE Select); coding-DNA position 2069, C replaced by T.
Protein change: p.Thr690Ile; replaces threonine 690 with isoleucine.
Molecular consequence: missense variant.
Genome position (GRCh38, 1-based): chr9:132,903,790, G>A on the plus strand (C>T on the coding strand, the complement: TSC1 is on the minus strand). VCF-style: chr9-132903790-G-A. GRCh37 (hg19) VCF-style: chr9-135779177-G-A.
Other names: c.2066C>T, p.Thr689Ile (NM_001162426.2); c.1916C>T, p.Thr639Ile (NM_001162427.2); c.1706C>T, p.Thr569Ile (NM_001362177.2); short protein forms T569I, T689I, T639I, T690I.
Identifiers: ClinVar variation 971244 (VCV000971244.13), dbSNP rs1845509575, ClinGen allele CA375361116.

ClinVar aggregate classification (germline): Uncertain significance. Review status: criteria provided, multiple submitters, no conflicts (2 of 4 stars). 2 submissions from 2 submitters: Uncertain significance (2). Last evaluated 2025-08-13.

Conditions:
Tuberous sclerosis 1 (TSC1). Identifiers: Orphanet 805, MedGen C1854465, MONDO:0008612, OMIM 191100.
Hereditary cancer-predisposing syndrome. Also called: Hereditary neoplastic syndrome; Hereditary Cancer Syndrome; Tumor predisposition; Neoplastic Syndromes, Hereditary. Identifiers: Orphanet 140162, MedGen C0027672, MeSH D009386, MONDO:0015356.

Submissions (2):

Ambry Genetics
Classification: Uncertain significance for Hereditary cancer-predisposing syndrome. Last evaluated: 2025-08-13. Review status: criteria provided, single submitter. Criteria: Ambry Variant Classification Scheme 2023. Collection method: clinical testing. Allele origin: germline.
Comment: The p.T690I variant (also known as c.2069C>T), located in coding exon 15 of the TSC1 gene, results from a C to T substitution at nucleotide position 2069. The threonine at codon 690 is replaced by isoleucine, an amino acid with similar properties. This amino acid position is well conserved in available vertebrate species. In addition, the in silico prediction for this alteration is inconclusive. Based on the available evidence, the clinical significance of this variant remains unclear.

Labcorp Genetics (formerly Invitae), Labcorp
Classification: Uncertain significance for Tuberous sclerosis 1. Last evaluated: 2023-09-03. Review status: criteria provided, single submitter. Criteria: Invitae Variant Classification Sherloc (09022015). Collection method: clinical testing. Allele origin: germline.
Comment: This sequence change replaces threonine, which is neutral and polar, with isoleucine, which is neutral and non-polar, at codon 690 of the TSC1 protein (p.Thr690Ile). This variant is not present in population databases (gnomAD no frequency). This variant has not been reported in the literature in individuals affected with TSC1-related conditions. ClinVar contains an entry for this variant (Variation ID: 971244). Advanced modeling of protein sequence and biophysical properties (such as structural, functional, and spatial information, amino acid conservation, physicochemical variation, residue mobility, and thermodynamic stability) performed at Invitae indicates that this missense variant is not expected to disrupt TSC1 protein function. In summary, the available evidence is currently insufficient to determine the role of this variant in disease. Therefore, it has been classified as a Variant of Uncertain Significance.